The following is an entry in ClinVar:

NM_001357.5(DHX9):c.560A>G (p.Gln187Arg)

Gene: DHX9 (DExH-box helicase 9; plus strand). Cytogenetic location: 1q25.3.
Variant type: single nucleotide variant.
Coding change: c.560A>G on transcript NM_001357.5 (MANE Select); coding-DNA position 560, A replaced by G.
Protein change: p.Gln187Arg; replaces glutamine 187 with arginine.
Molecular consequence: missense variant. On other transcripts: non-coding transcript variant (1).
Genome position (GRCh38, 1-based): chr1:182,854,112, A>G. VCF-style: chr1-182854112-A-G. GRCh37 (hg19) VCF-style: chr1-182823247-A-G.
Other names: short protein forms Q187R.
Identifiers: ClinVar variation 4854970 (VCV004854970.1).

ClinVar aggregate classification (germline): Uncertain significance (1 of 4 stars; one submission).

Conditions:
Intellectual developmental disorder, autosomal dominant 75. Identifiers: MedGen C5975482, MONDO:0975838, OMIM 620988.

Submission:

3billion
Classification: Uncertain significance for Intellectual developmental disorder, autosomal dominant 75. Last evaluated: 2025-08-11. Review status: criteria provided, single submitter. Criteria: ACMG Guidelines, 2015. Collection method: clinical testing. Allele origin: germline. Affected: yes.
Comment: The variant is not observed in the gnomAD v4.1.0 dataset. Predicted Consequence/Location: Missense variant. Missense changes are a common disease-causing mechanism. In silico tool predictions suggest damaging effect of the variant on gene or gene product [REVEL: 0.63 (>=0.6, sensitivity 0.68 and specificity 0.92)]. Therefore, this variant is classified as VUS according to the recommendation of ACMG/AMP guideline.